The following is an entry in ClinVar:

ClinVar aggregate classification (germline): Likely benign. Review status: criteria provided, multiple submitters, no conflicts (2 of 4 stars). 4 submissions from 4 submitters: Likely benign (3). 1 of the submissions does not count toward it. Last evaluated 2025-05-28.

Conditions:
KIDINS220-related disorder. Also called: KIDINS220-related condition.

Allele frequency attached by ClinVar (database versions not stated): gnomAD 0.00015; TOPMed 0.00018; ESP Exome Variant Server 0.00033.
gnomAD v4.1: 361 of 1,614,036 alleles (0.022%); highest among the groups gnomAD compares: Non-Finnish European, 0.03%; no homozygotes.

Submissions (4):

Labcorp Genetics (formerly Invitae), Labcorp
Classification: Likely benign. Last evaluated: 2025-05-28. Review status: criteria provided, single submitter. Criteria: Invitae Variant Classification Sherloc (09022015). Collection method: clinical testing. Allele origin: germline.

CeGaT Center for Human Genetics Tuebingen
Classification: Likely benign. Last evaluated: 2024-06-01. Review status: criteria provided, single submitter. Criteria: CeGaT Center For Human Genetics Tuebingen Variant Classification Criteria Version 2. Collection method: clinical testing. Allele origin: germline. Affected: yes. Observed: 3 variant alleles.
Comment: KIDINS220: BP4, BP7

Genetic Services Laboratory, University of Chicago
Classification: Likely benign. Last evaluated: 2020-07-29. Review status: criteria provided, single submitter. Criteria: ACMG Guidelines, 2015. Collection method: clinical testing. Allele origin: germline. Affected: no.

PreventionGenetics, part of Exact Sciences
Classification: Likely benign for KIDINS220-related condition. Last evaluated: 2021-08-27. Review status: no assertion criteria provided. Collection method: clinical testing. Allele origin: germline. Not counted in ClinVar's aggregate classification.
Comment: This variant is classified as likely benign based on ACMG/AMP sequence variant interpretation guidelines (Richards et al. 2015 PMID: 25741868, with internal and published modifications).

NM_020738.4(KIDINS220):c.2553T>C (p.Asn851=)

Gene: KIDINS220 (kinase D interacting substrate 220; minus strand). Cytogenetic location: 2p25.1.
Variant type: single nucleotide variant.
Coding change: c.2553T>C on transcript NM_020738.4 (MANE Select); coding-DNA position 2553, T replaced by C.
Protein change: p.Asn851=; no amino-acid change (asparagine 851 retained).
Molecular consequence: synonymous variant. On other transcripts: non-coding transcript variant (2).
Genome position (GRCh38, 1-based): chr2:8,778,957, A>G on the plus strand (T>C on the coding strand, the complement: KIDINS220 is on the minus strand). VCF-style: chr2-8778957-A-G. GRCh37 (hg19) VCF-style: chr2-8919087-A-G.
Other names: c.2556T>C, p.Asn852= (NM_001348729.2, NM_001348731.2, NM_001348734.2 and 3 more transcripts); c.2553T>C, p.Asn851= (NM_001348732.2, NM_001348735.2, NM_001348738.2 and 3 more transcripts); c.2427T>C, p.Asn809= (NM_001348736.2).
Identifiers: ClinVar variation 741455 (VCV000741455.40), dbSNP rs377667176, ClinGen allele CA1519950.